The following is an entry in ClinVar:

ClinVar aggregate classification (germline): Uncertain significance. Review status: criteria provided, multiple submitters, no conflicts (2 of 4 stars). 2 submissions from 2 submitters: Uncertain significance (2). Last evaluated 2022-07-15.

Conditions:
Deficiency of phosphoserine phosphatase (PSPHD). Also called: Phosphoserine phosphatase deficiency; PSPH deficiency. Identifiers: Orphanet 79350, MedGen C1291463, MONDO:0013531, OMIM 614023.
Inborn genetic diseases. Identifiers: MedGen C0950123, MeSH D030342.

Allele frequency attached by ClinVar (database versions not stated): ExAC 0.00004; gnomAD exomes 0.00006 and 0.00019; TOPMed 0.00010; gnomAD 0.00013 and 0.00014; ESP Exome Variant Server 0.00015.
gnomAD v4.1: 290 of 1,613,692 alleles (0.018%); highest among the groups gnomAD compares: Non-Finnish European, 0.023%; no homozygotes.

Submissions (2):

Labcorp Genetics (formerly Invitae), Labcorp
Classification: Uncertain significance for Deficiency of phosphoserine phosphatase. Last evaluated: 2022-07-15. Review status: criteria provided, single submitter. Criteria: Invitae Variant Classification Sherloc (09022015). Collection method: clinical testing. Allele origin: germline.
Comment: This sequence change falls in intron 6 of the PSPH gene. It does not directly change the encoded amino acid sequence of the PSPH protein. It affects a nucleotide within the consensus splice site. This variant is present in population databases (rs376149020, gnomAD 0.01%). This variant has not been reported in the literature in individuals affected with PSPH-related conditions. ClinVar contains an entry for this variant (Variation ID: 1359879). Variants that disrupt the consensus splice site are a relatively common cause of aberrant splicing (PMID: 17576681, 9536098). Algorithms developed to predict the effect of sequence changes on RNA splicing suggest that this variant is not likely to affect RNA splicing. In summary, the available evidence is currently insufficient to determine the role of this variant in disease. Therefore, it has been classified as a Variant of Uncertain Significance.

Ambry Genetics
Classification: Uncertain significance for Inborn genetic diseases. Last evaluated: 2022-06-15. Review status: criteria provided, single submitter. Criteria: Ambry Variant Classification Scheme 2023. Collection method: clinical testing. Allele origin: germline.
Comment: The c.422-3A>C intronic alteration consists of a A to C substitution 3 nucleotides before exon 7 (coding exon 4) of the PSPH gene. Based on insufficient or conflicting evidence, the clinical significance of this alteration remains unclear.

Literature cited by the submitters: PubMed 17576681 (cited by Labcorp Genetics (formerly Invitae), Labcorp); PubMed 9536098 (cited by Labcorp Genetics (formerly Invitae), Labcorp).

NM_004577.4(PSPH):c.422-3A>C

Gene: PSPH (phosphoserine phosphatase; minus strand). Cytogenetic location: 7p11.2.
Variant type: single nucleotide variant.
Coding change: c.422-3A>C on transcript NM_004577.4 (MANE Select); 3 bases into the intron before coding-DNA position 422, A replaced by C.
Molecular consequence: intron variant.
Genome position (GRCh38, 1-based): chr7:56,015,174, T>G on the plus strand (A>C on the coding strand, the complement: PSPH is on the minus strand). VCF-style: chr7-56015174-T-G. GRCh37 (hg19) VCF-style: chr7-56082867-T-G.
Other names: c.422-3A>C (NM_001370513.1, NM_001370514.1, NM_001370509.1 and 18 more transcripts).
Identifiers: ClinVar variation 1359879 (VCV001359879.4), dbSNP rs376149020, ClinGen allele CA4268631.